The following is an entry in ClinVar:

NM_033554.4(HLA-DPA1):c.216C>G (p.Thr72=)

Gene: HLA-DPA1 (major histocompatibility complex, class II, DP alpha 1; minus strand). Cytogenetic location: 6p21.32.
Variant type: single nucleotide variant.
Coding change: c.216C>G on transcript NM_033554.4 (MANE Select); coding-DNA position 216, C replaced by G.
Protein change: p.Thr72=; no amino-acid change (threonine 72 retained).
Molecular consequence: synonymous variant.
Genome position (GRCh38, 1-based): chr6:33,069,771, G>C on the plus strand (C>G on the coding strand, the complement: HLA-DPA1 is on the minus strand). VCF-style: chr6-33069771-G-C. GRCh37 (hg19) VCF-style: chr6-33037548-G-C.
Other names: c.216C>G, p.Thr72= (NM_001242524.2, NM_001242525.2, NM_001405020.1).
Identifiers: ClinVar variation 5039732 (VCV005039732.1).

ClinVar aggregate classification (germline): Likely benign (1 of 4 stars; one submission).

gnomAD v4.1: 7 of 1,612,302 alleles (0.00043%); highest among the groups gnomAD compares: Admixed American, 0.0083%; no homozygotes.

Submission:

CeGaT Center for Human Genetics Tuebingen
Classification: Likely benign. Last evaluated: 2026-07-01. Review status: criteria provided, single submitter. Criteria: CeGaT Center For Human Genetics Tuebingen Variant Classification Criteria Version 2. Collection method: clinical testing. Allele origin: germline. Affected: yes. Observed: 1 variant allele.
Comment: HLA-DPA1: BP4, BP7